The following is an entry in ClinVar:

ClinVar aggregate classification (germline): Uncertain significance (1 of 4 stars; one submission).

Conditions:
Progressive familial intrahepatic cholestasis type 2. Identifiers: Orphanet 79304, MedGen C3489789, MONDO:0011156, OMIM 601847.

Submission:

3billion
Classification: Uncertain significance for Progressive familial intrahepatic cholestasis type 2. Last evaluated: 2025-10-16. Review status: criteria provided, single submitter. Criteria: ACMG Guidelines, 2015. Collection method: clinical testing. Allele origin: germline. Affected: yes.
Comment: The variant is not observed in the gnomAD v4.1.0 dataset. Predicted Consequence/Location: Missense variant In silico tool predictions suggest damaging effect of the variant on gene or gene product [REVEL: 0.93 (>=0.6, sensitivity 0.68 and specificity 0.92). Therefore, this variant is classified as VUS according to the recommendation of ACMG/AMP guideline.

NM_003742.4(ABCB11):c.1702G>C (p.Ala568Pro)

Gene: ABCB11 (ATP binding cassette subfamily B member 11; minus strand). Cytogenetic location: 2q31.1.
Variant type: single nucleotide variant.
Coding change: c.1702G>C on transcript NM_003742.4 (MANE Select); coding-DNA position 1702, G replaced by C.
Protein change: p.Ala568Pro; replaces alanine 568 with proline.
Molecular consequence: missense variant.
Genome position (GRCh38, 1-based): chr2:168,970,152, C>G on the plus strand (G>C on the coding strand, the complement: ABCB11 is on the minus strand). VCF-style: chr2-168970152-C-G. GRCh37 (hg19) VCF-style: chr2-169826662-C-G.
Other names: short protein forms A568P.
Identifiers: ClinVar variation 4855380 (VCV004855380.1).